The following is an entry in ClinVar:

NM_174936.4(PCSK9):c.1119C>A (p.Ser373Arg)

Gene: PCSK9 (proprotein convertase subtilisin/kexin type 9; plus strand). Cytogenetic location: 1p32.3.
Variant type: single nucleotide variant.
Coding change: c.1119C>A on transcript NM_174936.4 (MANE Select); coding-DNA position 1119, C replaced by A.
Protein change: p.Ser373Arg; replaces serine 373 with arginine.
Molecular consequence: missense variant.
Genome position (GRCh38, 1-based): chr1:55,057,453, C>A. VCF-style: chr1-55057453-C-A. GRCh37 (hg19) VCF-style: chr1-55523126-C-A.
Other names: c.1242C>A, p.Ser414Arg (NM_001407240.1); c.1119C>A, p.Ser373Arg (NM_001407241.1, NM_001407244.1, NM_001407247.1); c.1122C>A, p.Ser374Arg (NM_001407242.1); c.1062C>A, p.Ser354Arg (NM_001407243.1); c.927C>A, p.Ser309Arg (NM_001407245.1); c.744C>A, p.Ser248Arg (NM_001407246.1); short protein forms S373R, S248R, S354R, S414R, S309R, S374R.
Identifiers: ClinVar variation 926389 (VCV000926389.6), dbSNP rs139683719, ClinGen allele CA340476732.

ClinVar aggregate classification (germline): Uncertain significance (1 of 4 stars; one submission).

Conditions:
Familial hypercholesterolemia. Also called: Familial hypercholesterolaemia. Identifiers: MedGen C0020445, MONDO:0005439.

Submission:

Color Diagnostics, LLC DBA Color Health
Classification: Uncertain significance for Familial hypercholesterolemia. Last evaluated: 2023-12-05. Review status: criteria provided, single submitter. Criteria: ACMG Guidelines, 2015. Collection method: clinical testing. Allele origin: germline.
Comment: Variant of Uncertain Significance due to insufficient evidence: This missense variant is located in the catalytic peptidase domain of the PCSK9 protein. Computational prediction tools and conservation analyses are inconclusive regarding the impact of this variant on the protein function. Computational splicing tools suggest that this variant may not impact RNA splicing. To our knowledge, functional assays have not been performed for this variant nor has this variant been reported in individuals affected with familial hypercholesterolemia in the literature. This variant is rare in the general population and has been identified in 0/277264 chromosomes by the Genome Aggregation Database (gnomAD). Available evidence is insufficient to determine the pathogenicity of this variant conclusively.